The following is an entry in ClinVar:

ClinVar aggregate classification (germline): Uncertain significance (1 of 4 stars; one submission).

Submission:

Labcorp Genetics (formerly Invitae), Labcorp
Classification: Uncertain significance. Last evaluated: 2022-09-17. Review status: criteria provided, single submitter. Criteria: Invitae Variant Classification Sherloc (09022015). Collection method: clinical testing. Allele origin: germline.
Comment: This sequence change replaces leucine, which is neutral and non-polar, with proline, which is neutral and non-polar, at codon 452 of the SIAE protein (p.Leu452Pro). In summary, the available evidence is currently insufficient to determine the role of this variant in disease. Therefore, it has been classified as a Variant of Uncertain Significance. Algorithms developed to predict the effect of missense changes on protein structure and function are either unavailable or do not agree on the potential impact of this missense change (SIFT: "Deleterious"; PolyPhen-2: "Possibly Damaging"; Align-GVGD: "Class C0"). This variant has not been reported in the literature in individuals affected with SIAE-related conditions. This variant is not present in population databases (gnomAD no frequency).

NM_170601.5(SIAE):c.1355T>C (p.Leu452Pro)

Gene: SIAE (sialic acid acetylesterase; minus strand). Cytogenetic location: 11q24.2.
Variant type: single nucleotide variant.
Coding change: c.1355T>C on transcript NM_170601.5 (MANE Select); coding-DNA position 1355, T replaced by C.
Protein change: p.Leu452Pro; replaces leucine 452 with proline.
Molecular consequence: missense variant.
Genome position (GRCh38, 1-based): chr11:124,637,168, A>G on the plus strand (T>C on the coding strand, the complement: SIAE is on the minus strand). VCF-style: chr11-124637168-A-G. GRCh37 (hg19) VCF-style: chr11-124507064-A-G.
Other names: c.1250T>C, p.Leu417Pro (NM_001199922.2); short protein forms L452P, L417P.
Identifiers: ClinVar variation 1973986 (VCV001973986.5), dbSNP rs2496874918, ClinGen allele CA383142202.